The following is an entry in ClinVar:

NM_001004051.4(GPRASP2):c.2163C>T (p.Ser721=)

Genes: ARMCX5-GPRASP2 (ARMCX5-GPRASP2 readthrough; plus strand), GPRASP2 (G protein-coupled receptor associated sorting protein 2; plus strand). Cytogenetic location: Xq22.1.
Variant type: single nucleotide variant.
Coding change: c.2163C>T on transcript NM_001004051.4 (MANE Select); coding-DNA position 2163, C replaced by T.
Protein change: p.Ser721=; no amino-acid change (serine 721 retained).
Molecular consequence: synonymous variant. On other transcripts: intron variant (3).
Genome position (GRCh38, 1-based): chrX:102,717,032, C>T. VCF-style: chrX-102717032-C-T. GRCh37 (hg19) VCF-style: chrX-101971960-C-T.
Other names: c.2163C>T, p.Ser721= (NM_001199818.1, NM_001184874.3, NM_001184875.3 and 2 more transcripts); c.-820+2766C>T (NM_001350268.2); c.-752+2766C>T (NM_001350269.2); c.-721+2766C>T (NM_001350270.1).
Identifiers: ClinVar variation 780079 (VCV000780079.9), dbSNP rs112000579, ClinGen allele CA10476637.

ClinVar aggregate classification (germline): Benign/Likely benign. Review status: criteria provided, multiple submitters, no conflicts (2 of 4 stars). 4 submissions from 4 submitters: Benign (2); Likely benign (1). 1 of the submissions does not count toward it. Last evaluated 2021-12-27.

Conditions:
GPRASP2-related disorder. Also called: GPRASP2-related condition.

Allele frequency attached by ClinVar (database versions not stated): ESP Exome Variant Server 0.01988; gnomAD 0.01757 and 0.01622; 1000 Genomes Project 0.01589; gnomAD exomes 0.00954; 1000 Genomes Project 30x 0.01686; TOPMed 0.01926.
gnomAD v4.1: 12,209 of 1,197,868 alleles (1%); highest among the groups gnomAD compares: African/African-American, 4.1%; 91 homozygotes.

Submissions (4):

GeneDx
Classification: Likely benign. Last evaluated: 2021-12-27. Review status: criteria provided, single submitter. Criteria: GeneDx Variant Classification Process June 2021. Collection method: clinical testing. Allele origin: germline. Affected: yes.
Comment: See Variant Classification Assertion Criteria.

Labcorp Genetics (formerly Invitae), Labcorp
Classification: Benign. Last evaluated: 2019-12-31. Review status: criteria provided, single submitter. Criteria: Invitae Variant Classification Sherloc (09022015). Collection method: clinical testing. Allele origin: germline.

Breakthrough Genomics
Classification: Benign. Review status: criteria provided, single submitter. Criteria: ACMG Guidelines, 2015. Collection method: not provided. Allele origin: germline. Inheritance: X-linked inheritance. Affected: yes.

PreventionGenetics, part of Exact Sciences
Classification: Benign for GPRASP2-related condition. Last evaluated: 2019-09-19. Review status: no assertion criteria provided. Collection method: clinical testing. Allele origin: germline. Not counted in ClinVar's aggregate classification.
Comment: This variant is classified as benign based on ACMG/AMP sequence variant interpretation guidelines (Richards et al. 2015 PMID: 25741868, with internal and published modifications).